The following is an entry in ClinVar:

NM_001099922.3(ALG13):c.3023AGC[2] (p.Gln1010del)

Gene: ALG13 (ALG13 UDP-N-acetylglucosaminyltransferase subunit; plus strand). Cytogenetic location: Xq23.
Variant type: Microsatellite.
Coding change: c.3023AGC[2] on transcript NM_001099922.3 (MANE Select); two copies in a row of the 3-base unit AGC starting at c.3023; the reference has three copies in a row; one copy, 3 bases deleted; also written c.3029_3031del.
Protein change: p.Gln1010del; deletes glutamine 1010.
Molecular consequence: inframe deletion. On other transcripts: non-coding transcript variant (1).
Genome position (GRCh38, 1-based): chrX:111,757,643-111,757,645, AGC deleted; deleting any 3 consecutive bases within chrX:111,757,635-111,757,645 gives the same sequence; the position shown is the placement nearest the transcript's 3' end. VCF-style (leftmost placement, unchanged base first): chrX-111757634-TGCA-T. GRCh37 (hg19) VCF-style: chrX-111000862-TGCA-T.
Other names: c.2474AGC[2], p.Gln827del (NM_001257230.2, NM_001257234.2, NM_001257237.2); c.2789AGC[2], p.Gln932del (NM_001257231.2); c.2786AGC[2], p.Gln931del (NM_001324292.2); c.2300AGC[2], p.Gln769del (NM_001324293.1); c.3029_3031del (NM_001099922.3); short protein forms Q827del, Q1010del, Q931del, Q769del, Q932del.
Identifiers: ClinVar variation 1045550 (VCV001045550.28), dbSNP rs770600982, ClinGen allele CA10494031.

ClinVar aggregate classification (germline): Conflicting classifications of pathogenicity. Review status: criteria provided, conflicting classifications (1 of 4 stars). 4 submissions from 4 submitters: Uncertain significance (3); Likely benign (1). Last evaluated 2026-05-01.

Conditions:
Developmental and epileptic encephalopathy, 36 (DEE36). Also called: Epileptic encephalopathy, early infantile, 36; ALG13-CDG; Congenital disorder of glycosylation, type Is. Identifiers: Orphanet 324422, MedGen C4317295, MONDO:0010472, OMIM 300884.

Submissions (4):

CeGaT Center for Human Genetics Tuebingen
Classification: Likely benign. Last evaluated: 2026-05-01. Review status: criteria provided, single submitter. Criteria: CeGaT Center For Human Genetics Tuebingen Variant Classification Criteria Version 2. Collection method: clinical testing. Allele origin: germline. Affected: yes. Observed: 2 variant alleles.
Comment: ALG13: PM4:Supporting, BS2

Blueprint Genetics
Classification: Uncertain significance. Last evaluated: 2024-11-22. Review status: criteria provided, single submitter. Criteria: ACMG Guidelines, 2015. Collection method: clinical testing. Allele origin: germline.

Labcorp Genetics (formerly Invitae), Labcorp
Classification: Uncertain significance for Developmental and epileptic encephalopathy, 36. Last evaluated: 2024-02-24. Review status: criteria provided, single submitter. Criteria: Invitae Variant Classification Sherloc (09022015). Collection method: clinical testing. Allele origin: germline.
Comment: This variant, c.3029_3031del, results in the deletion of 1 amino acid(s) of the ALG13 protein (p.Gln1010del), but otherwise preserves the integrity of the reading frame. This variant is present in population databases (rs770600982, gnomAD 0.006%), including at least one homozygous and/or hemizygous individual. This variant has not been reported in the literature in individuals affected with ALG13-related conditions. In summary, the available evidence is currently insufficient to determine the role of this variant in disease. Therefore, it has been classified as a Variant of Uncertain Significance.

Clinical Genetics Laboratory, Skane University Hospital Lund
Classification: Uncertain significance. Last evaluated: 2022-05-27. Review status: criteria provided, single submitter. Criteria: ACMG Guidelines, 2015. Collection method: clinical testing. Allele origin: germline. Affected: yes.